The following is an entry in ClinVar:

NM_015681.6(B9D1):c.516C>T (p.Asn172=)

Gene: B9D1 (B9 domain containing 1; minus strand). Cytogenetic location: 17p11.2.
Variant type: single nucleotide variant.
Coding change: c.516C>T on transcript NM_015681.6 (MANE Select); coding-DNA position 516, C replaced by T.
Protein change: p.Asn172=; no amino-acid change (asparagine 172 retained).
Molecular consequence: synonymous variant. On other transcripts: 3 prime UTR variant (2), intron variant (4).
Genome position (GRCh38, 1-based): chr17:19,343,418, G>A on the plus strand (C>T on the coding strand, the complement: B9D1 is on the minus strand). VCF-style: chr17-19343418-G-A. GRCh37 (hg19) VCF-style: chr17-19246731-G-A.
Other names: c.*41C>T (NM_001321214.2); c.*292C>T (NM_001321215.3); c.112+372C>T (NM_001368769.2); c.404+3851C>T (NM_001321219.2); c.472+372C>T (NM_001321218.2, NM_001321217.2); c.516C>T (NM_015681.4).
Identifiers: ClinVar variation 695508 (VCV000695508.15), dbSNP rs149758860, ClinGen allele CA8440079.
Genomic context (GRCh38, chr17:19,343,418, plus strand): 5'-ACCCTGTGTATCAGAAGGCCCAGTGTCATAGCCCAGTTTCCTCATGTCCTTGGTCACCAC[G>A]TTGAAGAGGAGGGTGACAAAGCCCTGAGAACGGACACGGGTCACTGGGGACAGAAGGGCA-3'
Protein context (NP_056496.1, residues 162-182): RSQGFVTLLF[Asn172=]VVTKDMRKLG

ClinVar aggregate classification (germline): Conflicting classifications of pathogenicity. Review status: criteria provided, conflicting classifications (1 of 4 stars). 4 submissions from 4 submitters: Uncertain significance (1); Benign (1); Likely benign (2). Last evaluated 2026-05-07.

Conditions:
B9D1-related disorder. Also called: B9D1-related disorders; B9D1-related condition.
Joubert syndrome. Also called: Familial aplasia of the vermis; JOUBERT-BOLTSHAUSER SYNDROME. Identifiers: Orphanet 475, MedGen C5979921, MONDO:0018772.
Meckel-Gruber syndrome. Also called: DYSENCEPHALIA SPLANCHNOCYSTICA; GRUBER SYNDROME; Dysencephalia splachnocystica. Identifiers: Orphanet 564, MedGen C0265215, MONDO:0018921.
Meckel syndrome, type 9 (MKS9). Identifiers: Orphanet 564, MedGen C3280155, MONDO:0013630, OMIM 614209.

Allele frequency attached by ClinVar (database versions not stated): gnomAD 0.00011 and 0.00019; TOPMed 0.00014; ExAC 0.00021; gnomAD exomes 0.00033; 1000 Genomes Project 30x 0.00156; 1000 Genomes Project 0.00160.
gnomAD v4.1: 150 of 1,614,200 alleles (0.0093%); highest among the groups gnomAD compares: East Asian, 0.3%; no homozygotes.

Submissions (4):

PreventionGenetics, part of Exact Sciences
Classification: Likely benign for B9D1-related condition. Last evaluated: 2026-05-07. Review status: criteria provided, single submitter. Criteria: ACMG Guidelines, 2015. Collection method: clinical testing. Allele origin: germline.
Comment: This variant is classified as likely benign based on ACMG/AMP sequence variant interpretation guidelines (Richards et al. 2015 PMID: 25741868, with internal and published modifications).

Labcorp Genetics (formerly Invitae), Labcorp
Classification: Benign for Joubert syndrome; Meckel-Gruber syndrome. Last evaluated: 2026-02-01. Review status: criteria provided, single submitter. Criteria: Invitae Variant Classification Sherloc (09022015). Collection method: clinical testing. Allele origin: germline.

Blueprint Genetics
Classification: Likely benign. Last evaluated: 2024-10-04. Review status: criteria provided, single submitter. Criteria: ACMG Guidelines, 2015. Collection method: clinical testing. Allele origin: germline.

Illumina Laboratory Services, Illumina
Classification: Uncertain significance for Meckel syndrome, type 9. Last evaluated: 2018-01-13. Review status: criteria provided, single submitter. Criteria: ICSL Variant Classification Criteria 13 December 2019. Collection method: clinical testing. Allele origin: germline.